The following is an entry in ClinVar:

NM_000548.5(TSC2):c.1384C>G (p.Arg462Gly)

Gene: TSC2 (TSC complex subunit 2; plus strand). Cytogenetic location: 16p13.3.
Variant type: single nucleotide variant.
Coding change: c.1384C>G on transcript NM_000548.5 (MANE Select); coding-DNA position 1384, C replaced by G.
Protein change: p.Arg462Gly; replaces arginine 462 with glycine.
Molecular consequence: missense variant.
Genome position (GRCh38, 1-based): chr16:2,062,994, C>G. VCF-style: chr16-2062994-C-G. GRCh37 (hg19) VCF-style: chr16-2112995-C-G.
Other names: c.1384C>G, p.Arg462Gly (NM_001370404.1, NM_001370405.1, NM_021055.3 and 3 more transcripts); c.1273C>G, p.Arg425Gly (NM_001318827.2); c.1237C>G, p.Arg413Gly (NM_001318829.2); c.784C>G, p.Arg262Gly (NM_001318831.2); c.1417C>G, p.Arg473Gly (NM_001318832.2); short protein forms R413G, R425G, R473G, R262G, R462G.
Identifiers: ClinVar variation 648636 (VCV000648636.15), dbSNP rs397515261, ClinGen allele CA394323720.

ClinVar aggregate classification (germline): Uncertain significance. Review status: criteria provided, multiple submitters, no conflicts (2 of 4 stars). 4 submissions from 4 submitters: Uncertain significance (4). Last evaluated 2022-09-01.

Conditions:
Tuberous sclerosis 2 (TSC2). Identifiers: Orphanet 805, MedGen C1860707, MONDO:0013199, OMIM 613254.
Hereditary cancer-predisposing syndrome. Also called: Hereditary Cancer Syndrome; Tumor predisposition; Neoplastic Syndromes, Hereditary; Hereditary neoplastic syndrome. Identifiers: Orphanet 140162, MedGen C0027672, MeSH D009386, MONDO:0015356.

Submissions (4):

Ambry Genetics
Classification: Uncertain significance for Hereditary cancer-predisposing syndrome. Last evaluated: 2022-09-01. Review status: criteria provided, single submitter. Criteria: Ambry Variant Classification Scheme 2023. Collection method: clinical testing. Allele origin: germline.
Comment: The p.R462G variant (also known as c.1384C>G), located in coding exon 13 of the TSC2 gene, results from a C to G substitution at nucleotide position 1384. The arginine at codon 462 is replaced by glycine, an amino acid with dissimilar properties. This amino acid position is conserved. In addition, this alteration is predicted to be deleterious by in silico analysis. Since supporting evidence is limited at this time, the clinical significance of this alteration remains unclear.

Genome-Nilou Lab
Classification: Uncertain significance for Tuberous sclerosis 2. Last evaluated: 2021-11-07. Review status: criteria provided, single submitter. Criteria: ACMG Guidelines, 2015. Collection method: clinical testing. Allele origin: germline. Affected: no.

Labcorp Genetics (formerly Invitae), Labcorp
Classification: Uncertain significance for Tuberous sclerosis 2. Last evaluated: 2020-06-04. Review status: criteria provided, single submitter. Criteria: Invitae Variant Classification Sherloc (09022015). Collection method: clinical testing. Allele origin: germline.
Comment: This sequence change replaces arginine with glycine at codon 462 of the TSC2 protein (p.Arg462Gly). The arginine residue is highly conserved and there is a moderate physicochemical difference between arginine and glycine. This variant is not present in population databases (ExAC no frequency). This variant has been reported in individuals Leiden Open-source Variation Database (PMID: 21520333). Algorithms developed to predict the effect of missense changes on protein structure and function (SIFT, PolyPhen-2, Align-GVGD) all suggest that this variant is likely to be disruptive, but these predictions have not been confirmed by published functional studies and their clinical significance is uncertain. In summary, the available evidence is currently insufficient to determine the role of this variant in disease. Therefore, it has been classified as a Variant of Uncertain Significance.

GeneDx
Classification: Uncertain significance. Last evaluated: 2019-12-04. Review status: criteria provided, single submitter. Criteria: GeneDx Variant Classification Process June 2021. Collection method: clinical testing. Allele origin: germline. Affected: yes.
Comment: Not observed in large population cohorts (Lek et al., 2016); In silico analyses, including protein predictors and evolutionary conservation, support a deleterious effect; Has not been previously published as pathogenic or benign to our knowledge

Literature cited by the submitters: PubMed 21520333 (cited by Labcorp Genetics (formerly Invitae), Labcorp).